The following is an entry in ClinVar:

ClinVar aggregate classification (germline): Conflicting classifications of pathogenicity. Review status: criteria provided, conflicting classifications (1 of 4 stars). 4 submissions from 4 submitters: Uncertain significance (3); Likely benign (1). Last evaluated 2026-06-24.

Conditions:
KIF1A-related disorder. Also called: KIF1A-related disorders; KIF1A-related condition.
Inborn genetic diseases. Identifiers: MedGen C0950123, MeSH D030342.
Intellectual disability, autosomal dominant 9 (NESCAVS). Also called: NESCAV SYNDROME; KIF1A-Related Neurodevelopmental Disorder. Identifiers: Orphanet 662367, MedGen C5393830, MONDO:0013656, OMIM 614255.
Neuropathy, hereditary sensory, type 2C. Also called: KIF1A-Related HSAN2 (HSAN2C); Hereditary sensory and autonomic neuropathy type IIC. Identifiers: Orphanet 970, MedGen C3280168, MONDO:0013634, OMIM 614213.
Hereditary spastic paraplegia 30. Identifiers: Orphanet 101010, MedGen C5235139, MONDO:0012476.

Allele frequency attached by ClinVar (database versions not stated): gnomAD exomes 0.00001; gnomAD 0.00003 and 0.00004; TOPMed 0.00003.

Submissions (4):

PreventionGenetics, part of Exact Sciences
Classification: Uncertain significance for KIF1A-related condition. Last evaluated: 2026-06-24. Review status: criteria provided, single submitter. Criteria: ACMG Guidelines, 2015. Collection method: clinical testing. Allele origin: germline.
Comment: The KIF1A c.385C>T variant is predicted to result in the amino acid substitution p.Arg129Trp. To our knowledge, this variant has not been reported in the literature. This variant is reported in 0.021% of alleles in individuals of African descent in gnomAD. At this time, the clinical significance of this variant is uncertain due to the absence of conclusive functional and genetic evidence.

Labcorp Genetics (formerly Invitae), Labcorp
Classification: Likely benign for Hereditary spastic paraplegia 30; Neuropathy, hereditary sensory, type 2C; Intellectual disability, autosomal dominant 9. Last evaluated: 2025-08-15. Review status: criteria provided, single submitter. Criteria: Invitae Variant Classification Sherloc (09022015). Collection method: clinical testing. Allele origin: germline.

GeneDx
Classification: Uncertain significance. Last evaluated: 2022-09-15. Review status: criteria provided, single submitter. Criteria: GeneDx Variant Classification Process June 2021. Collection method: clinical testing. Allele origin: germline. Affected: yes.
Comment: In silico analysis supports that this missense variant has a deleterious effect on protein structure/function; Has not been previously published as pathogenic or benign to our knowledge; This variant is associated with the following publications: (PMID: 26125038, 21820098, 21376300)

Ambry Genetics
Classification: Uncertain significance for Inborn genetic diseases. Last evaluated: 2020-03-17. Review status: criteria provided, single submitter. Criteria: Ambry Variant Classification Scheme 2023. Collection method: clinical testing. Allele origin: germline.
Comment: The p.R129W variant (also known as c.385C>T), located in coding exon 4 of the KIF1A gene, results from a C to T substitution at nucleotide position 385. The arginine at codon 129 is replaced by tryptophan, an amino acid with dissimilar properties. This amino acid position is well conserved in available vertebrate species. In addition, the in silico prediction for this alteration is inconclusive. Since supporting evidence is limited at this time, the clinical significance of this alteration remains unclear.

NM_001244008.2(KIF1A):c.385C>T (p.Arg129Trp)

Gene: KIF1A (kinesin family member 1A; minus strand). Cytogenetic location: 2q37.3.
Variant type: single nucleotide variant.
Coding change: c.385C>T on transcript NM_001244008.2 (MANE Select); coding-DNA position 385, C replaced by T.
Protein change: p.Arg129Trp; replaces arginine 129 with tryptophan.
Molecular consequence: missense variant.
Genome position (GRCh38, 1-based): chr2:240,787,295, G>A on the plus strand (C>T on the coding strand, the complement: KIF1A is on the minus strand). VCF-style: chr2-240787295-G-A. GRCh37 (hg19) VCF-style: chr2-241726712-G-A.
Other names: c.385C>T (NM_004321.6); c.385C>T, p.Arg129Trp (NM_001320705.2, NM_001330289.2, NM_001330290.2 and 20 more transcripts); short protein forms R129W.
Identifiers: ClinVar variation 1501095 (VCV001501095.10), dbSNP rs868067075, ClinGen allele CA68141955.